The following is an entry in ClinVar:

ClinVar aggregate classification (germline): Pathogenic. Review status: reviewed by expert panel (3 of 4 stars). 3 submissions from 3 submitters: Pathogenic (1). 2 of the submissions do not count toward it. Last evaluated 2016-10-18.

Conditions:
Hereditary cancer-predisposing syndrome. Also called: Hereditary Cancer Syndrome; Neoplastic Syndromes, Hereditary; Hereditary neoplastic syndrome; Tumor predisposition. Identifiers: Orphanet 140162, MedGen C0027672, MeSH D009386, MONDO:0015356.
Breast-ovarian cancer, familial, susceptibility to, 1 (BROVCA1). Also called: BRCA1 Hereditary Breast and Ovarian Cancer; OVARIAN CANCER, SUSCEPTIBILITY TO. Identifiers: Orphanet 145, MedGen C2676676, MONDO:0011450, OMIM 604370. Disease mechanism: loss of function.

Submissions (3):

Evidence-based Network for the Interpretation of Germline Mutant Alleles (ENIGMA)
Classification: Pathogenic for Breast-ovarian cancer, familial, susceptibility to, 1. Last evaluated: 2016-10-18. Review status: reviewed by expert panel. Criteria: ENIGMA BRCA1/2 Classification Criteria (2015). Collection method: curation. Allele origin: germline.
Comment: Variant allele predicted to encode a truncated non-functional protein.

Color Diagnostics, LLC DBA Color Health
Classification: Pathogenic for Hereditary cancer-predisposing syndrome. Last evaluated: 2020-05-04. Review status: criteria provided, single submitter. Criteria: ACMG Guidelines, 2015. Collection method: clinical testing. Allele origin: germline. Not counted in ClinVar's aggregate classification.
Comment: This variant deletes 1 nucleotide in exon 10 of the BRCA1 gene, creating a premature translation stop signal. This variant is expected to result in an absent or non-functional protein product. This variant has been reported in an individual affected with breast cancer and/or ovarian cancer (PMID: 25863477). This variant has not been identified in the general population by the Genome Aggregation Database (gnomAD). Loss of BRCA1 function is a known mechanism of disease. Based on the available evidence, this variant is classified as Pathogenic.

Consortium of Investigators of Modifiers of BRCA1/2 (CIMBA), c/o University of Cambridge
Classification: Pathogenic for Breast-ovarian cancer, familial, susceptibility to, 1. Last evaluated: 2015-10-02. Review status: criteria provided, single submitter. Criteria: CIMBA Mutation Classification guidelines May 2016. Collection method: clinical testing. Allele origin: germline. Not counted in ClinVar's aggregate classification.

NM_007294.4(BRCA1):c.1354del (p.Ser451_Val452insTer)

Gene: BRCA1 (BRCA1 DNA repair associated; minus strand). Cytogenetic location: 17q21.31.
Variant type: Deletion.
Coding change: c.1354del on transcript NM_007294.4 (MANE Select); coding-DNA position 1354, one base deleted (G; older notation c.1354delG).
Protein change: p.Ser451_Val452insTer.
Molecular consequence: nonsense. On other transcripts: intron variant (137).
Genome position (GRCh38, 1-based): chr17:43,094,177, C deleted on the plus strand (G on the coding strand, the reverse complement: BRCA1 is on the minus strand). VCF-style (leftmost placement, unchanged base first): chr17-43094176-AC-A. GRCh37 (hg19) VCF-style: chr17-41246193-AC-A.
Other names: 1473delG; c.1141del, p.Ser380_Val381insTer (NM_001407899.1, NM_001407915.1, NM_001407916.1 and 9 more transcripts); c.1144del, p.Ser381_Val382insTer (NM_001407900.1, NM_001407902.1, NM_001407904.1 and 13 more transcripts); c.1231del, p.Ser410_Val411insTer (NM_001407919.1, NM_001407937.1, NM_001407938.1 and 19 more transcripts); c.1090del, p.Ser363_Val364insTer (NM_001407920.1, NM_001407921.1, NM_001407922.1 and 9 more transcripts); c.1087del, p.Ser362_Val363insTer (NM_001407930.1, NM_001407931.1, NM_001407932.1 and 2 more transcripts); c.1228del, p.Ser409_Val410insTer (NM_001407940.1, NM_001407941.1, NM_001407649.1 and 11 more transcripts); c.1213del, p.Ser404_Val405insTer (NM_001407942.1, NM_001407944.1, NM_001407945.1 and 29 more transcripts); and 41 more.
Identifiers: ClinVar variation 266160 (VCV000266160.10), dbSNP rs886039946, ClinGen allele CA10589944.